The following is an entry in ClinVar:

ClinVar aggregate classification (germline): Uncertain significance (1 of 4 stars; one submission).

Submission:

GeneDx
Classification: Uncertain significance. Last evaluated: 2022-09-28. Review status: criteria provided, single submitter. Criteria: GeneDx Variant Classification Process June 2021. Collection method: clinical testing. Allele origin: germline. Affected: yes.
Comment: Not observed at significant frequency in large population cohorts (gnomAD); In silico analysis supports that this missense variant has a deleterious effect on protein structure/function; Has not been previously published as pathogenic or benign to our knowledge

NM_014491.4(FOXP2):c.1768G>A (p.Gly590Arg)

Gene: FOXP2 (forkhead box P2; plus strand). Cytogenetic location: 7q31.1.
Variant type: single nucleotide variant.
Coding change: c.1768G>A on transcript NM_014491.4 (MANE Select); coding-DNA position 1768, G replaced by A.
Protein change: p.Gly590Arg; replaces glycine 590 with arginine.
Molecular consequence: missense variant. On other transcripts: non-coding transcript variant (2).
Genome position (GRCh38, 1-based): chr7:114,662,185, G>A. VCF-style: chr7-114662185-G-A. GRCh37 (hg19) VCF-style: chr7-114302240-G-A.
Other names: c.1765G>A, p.Gly589Arg (NM_001172766.3); c.1843G>A, p.Gly615Arg (NM_148898.4); c.1819G>A, p.Gly607Arg (NM_148900.4); short protein forms G589R, G590R, G607R, G615R.
Identifiers: ClinVar variation 2446500 (VCV002446500.1), dbSNP rs2485493458, ClinGen allele CA368966021.